The following is an entry in ClinVar:

NM_014389.3(PELP1):c.2052_2069dup (p.Pro694_Val695insMetProSerAlaGlyPro)

Gene: PELP1 (proline, glutamate and leucine rich protein 1; minus strand). Cytogenetic location: 17p13.2.
Variant type: Duplication.
Coding change: c.2052_2069dup on transcript NM_014389.3 (MANE Select); coding-DNA positions 2052 to 2069, 18 bases duplicated (TTCAGCAGGCCCCATGCC).
Protein change: p.Pro694_Val695insMetProSerAlaGlyPro.
Molecular consequence: inframe insertion.
Genome position (GRCh38, 1-based): chr17:4,672,922-4,672,939, GGCATGGGGCCTGCTGAA duplicated on the plus strand (TTCAGCAGGCCCCATGCC on the coding strand, the reverse complement: PELP1 is on the minus strand); duplicating any 18 consecutive bases within chr17:4,672,922-4,672,956 gives the same sequence; the c. name uses the placement nearest the transcript's 3' end. VCF-style (leftmost placement, unchanged base first): chr17-4672921-G-GGGCATGGGGCCTGCTGAA. GRCh37 (hg19) VCF-style: chr17-4576216-G-GGGCATGGGGCCTGCTGAA.
Other names: c.1611_1628dup, p.Pro547_Val548insMetProSerAlaGlyPro (NM_001278241.2).
Identifiers: ClinVar variation 2647270 (VCV002647270.24), dbSNP rs768977236, ClinGen allele CA8307740.

ClinVar aggregate classification (germline): Likely benign (1 of 4 stars; one submission).

Submission:

CeGaT Center for Human Genetics Tuebingen
Classification: Likely benign. Last evaluated: 2023-01-01. Review status: criteria provided, single submitter. Criteria: CeGaT Center For Human Genetics Tuebingen Variant Classification Criteria Version 2. Collection method: clinical testing. Allele origin: germline. Affected: yes. Observed: 1 variant allele.
Comment: PELP1: BS2